The following is an entry in ClinVar:

NM_001851.6(COL9A1):c.1288-1G>A

Gene: COL9A1 (collagen type IX alpha 1 chain; minus strand). Cytogenetic location: 6q13.
Variant type: single nucleotide variant.
Coding change: c.1288-1G>A on transcript NM_001851.6 (MANE Select); the canonical splice acceptor site of the intron before coding-DNA position 1288, G replaced by A.
Molecular consequence: splice acceptor variant.
Genome position (GRCh38, 1-based): chr6:70,266,771, C>T on the plus strand (G>A on the coding strand, the complement: COL9A1 is on the minus strand). VCF-style: chr6-70266771-C-T. GRCh37 (hg19) VCF-style: chr6-70976474-C-T.
Other names: c.559-1G>A (NM_001377290.1, NM_078485.4, NM_001377289.1).
Identifiers: ClinVar variation 4769631 (VCV004769631.1).

ClinVar aggregate classification (germline): Likely pathogenic (1 of 4 stars; one submission).

Submission:

Labcorp Genetics (formerly Invitae), Labcorp
Classification: Likely pathogenic. Last evaluated: 2025-08-08. Review status: criteria provided, single submitter. Criteria: Invitae Variant Classification Sherloc (09022015). Collection method: clinical testing. Allele origin: germline.
Comment: This sequence change affects an acceptor splice site in intron 17 of the COL9A1 gene. It is expected to disrupt RNA splicing. Variants that disrupt the donor or acceptor splice site typically lead to a loss of protein function (PMID: 16199547), and loss-of-function variants in COL9A1 are known to be pathogenic (PMID: 16909383, 21421862). This variant is not present in population databases (gnomAD no frequency). This variant has not been reported in the literature in individuals affected with COL9A1-related conditions. Algorithms developed to predict the effect of sequence changes on RNA splicing suggest that this variant may disrupt the consensus splice site. In summary, the currently available evidence indicates that the variant is pathogenic, but additional data are needed to prove that conclusively. Therefore, this variant has been classified as Likely Pathogenic.

Literature cited by the submitters: PubMed 16199547; PubMed 16909383; PubMed 21421862.